The following is an entry in ClinVar:

NM_000179.3(MSH6):c.3778G>A (p.Val1260Ile)

Gene: MSH6 (mutS homolog 6; plus strand). Cytogenetic location: 2p16.3.
Variant type: single nucleotide variant.
Coding change: c.3778G>A on transcript NM_000179.3 (MANE Select); coding-DNA position 3778, G replaced by A.
Protein change: p.Val1260Ile; replaces valine 1260 with isoleucine.
Molecular consequence: missense variant. On other transcripts: non-coding transcript variant (5).
Genome position (GRCh38, 1-based): chr2:47,806,335, G>A. VCF-style: chr2-47806335-G-A. GRCh37 (hg19) VCF-style: chr2-48033474-G-A.
Other names: c.3388G>A, p.Val1130Ile (NM_001281492.2); c.2872G>A, p.Val958Ile (NM_001281493.2, NM_001281494.2, NM_001406811.1 and 6 more transcripts); c.3874G>A, p.Val1292Ile (NM_001406795.1, NM_001406802.1); c.3778G>A, p.Val1260Ile (NM_001406796.1, NM_001406800.1, NM_001406808.1 and 1 more transcripts); c.3481G>A, p.Val1161Ile (NM_001406797.1, NM_001406801.1, NM_001406805.1 and 10 more transcripts); c.3604G>A, p.Val1202Ile (NM_001406798.1); c.3253G>A, p.Val1085Ile (NM_001406799.1, NM_001406806.1, NM_001406807.1); c.2914G>A, p.Val972Ile (NM_001406803.1); and 7 more; short protein forms V1085I, V1130I, V1161I, V1202I, V1204I, V1234I, V1260I, V1262I.
Identifiers: ClinVar variation 3072795 (VCV003072795.3), dbSNP rs63750673, ClinGen allele CA46719493.

ClinVar aggregate classification (germline): Uncertain significance. Review status: criteria provided, multiple submitters, no conflicts (2 of 4 stars). 3 submissions from 3 submitters: Uncertain significance (3). Last evaluated 2024-06-19.

Conditions:
Hereditary cancer-predisposing syndrome. Also called: Hereditary neoplastic syndrome; Hereditary Cancer Syndrome; Neoplastic Syndromes, Hereditary; Tumor predisposition. Identifiers: Orphanet 140162, MedGen C0027672, MeSH D009386, MONDO:0015356.
Lynch syndrome. Identifiers: Orphanet 144, MedGen C4552100, MONDO:0005835. Disease mechanism: loss of function.
Mismatch repair cancer syndrome 3. Identifiers: MedGen C5436807, MONDO:0030841, OMIM 619097.
Endometrial carcinoma. Also called: Endometrial carcinoma, somatic. Identifiers: MedGen C0476089, MONDO:0002447, OMIM 608089, HP:0012114.
Lynch syndrome 5 (LYNCH5). Also called: Colorectal cancer, hereditary nonpolyposis, type 5; Hereditary non-polyposis colorectal cancer, type 5. Identifiers: Orphanet 144, MedGen C1833477, MONDO:0013710, OMIM 614350. Disease mechanism: loss of function.

Allele frequency attached by ClinVar (database versions not stated): gnomAD exomes below 0.00001.

Submissions (3):

Fulgent Genetics
Classification: Uncertain significance for Endometrial carcinoma; Lynch syndrome 5; Mismatch repair cancer syndrome 3. Last evaluated: 2024-06-19. Review status: criteria provided, single submitter. Criteria: ACMG Guidelines, 2015. Collection method: clinical testing. Allele origin: germline.

Ambry Genetics
Classification: Uncertain significance for Hereditary cancer-predisposing syndrome. Last evaluated: 2024-01-10. Review status: criteria provided, single submitter. Criteria: Ambry Variant Classification Scheme 2023. Collection method: clinical testing. Allele origin: germline.
Comment: The p.V1260I variant (also known as c.3778G>A), located in coding exon 8 of the MSH6 gene, results from a G to A substitution at nucleotide position 3778. The valine at codon 1260 is replaced by isoleucine, an amino acid with highly similar properties. This amino acid position is not well conserved in available vertebrate species. In addition, this alteration is predicted to be tolerated by in silico analysis. Since supporting evidence is limited at this time, the clinical significance of this alteration remains unclear.

All of Us Research Program, National Institutes of Health
Classification: Uncertain significance for Lynch syndrome. Last evaluated: 2023-08-15. Review status: criteria provided, single submitter. Criteria: ACMG Guidelines, 2015. Collection method: clinical testing. Allele origin: germline. Inheritance: Autosomal dominant inheritance. Observed: 1 variant allele, 1 heterozygote.
Comment: This study involves interpretation of variants in research participants for the purpose of population health screening. Participant phenotype was not available at the time of variant classification. Additional details can be found in publication PMID: 35346344, PMCID: PMC8962531